The following is an entry in ClinVar:

NM_012330.4(KAT6B):c.2506G>A (p.Gly836Ser)

Gene: KAT6B (lysine acetyltransferase 6B; plus strand). Cytogenetic location: 10q22.2.
Variant type: single nucleotide variant.
Coding change: c.2506G>A on transcript NM_012330.4 (MANE Select); coding-DNA position 2506, G replaced by A.
Protein change: p.Gly836Ser; replaces glycine 836 with serine.
Molecular consequence: missense variant. On other transcripts: intron variant (4).
Genome position (GRCh38, 1-based): chr10:74,985,212, G>A. VCF-style: chr10-74985212-G-A. GRCh37 (hg19) VCF-style: chr10-76744970-G-A.
Other names: c.1957G>A, p.Gly653Ser (NM_001256468.2, NM_001370138.1); c.1630G>A, p.Gly544Ser (NM_001256469.2, NM_001370139.1, NM_001370140.1 and 2 more transcripts); c.2506G>A, p.Gly836Ser (NM_001370136.1, NM_001370137.1); c.1441G>A, p.Gly481Ser (NM_001370143.1, NM_001370144.1); c.847-3807G>A (NM_001370133.1); c.450+3284G>A (NM_001370134.1); c.1497+3284G>A (NM_001370132.1); c.193-3807G>A (NM_001370135.1); short protein forms G836S, G653S, G481S, G544S.
Identifiers: ClinVar variation 3023563 (VCV003023563.3), dbSNP rs376747397, ClinGen allele CA5564603.

ClinVar aggregate classification (germline): Uncertain significance (1 of 4 stars; one submission).

Conditions:
Genitopatellar syndrome (GTPTS). Also called: Genitopatellar syndrome (GPS); ABSENT PATELLAE, SCROTAL HYPOPLASIA, RENAL ANOMALIES, FACIAL DYSMORPHISM, AND MENTAL RETARDATION. Identifiers: Orphanet 85201, MedGen C1853566, MONDO:0011640, OMIM 606170.

Allele frequency attached by ClinVar (database versions not stated): gnomAD exomes below 0.00001; ExAC 0.00001; ESP Exome Variant Server 0.00008.
gnomAD v4.1: 1 of 1,614,024 alleles (0.000062%); highest among the groups gnomAD compares: Admixed American, 0.0017%; no homozygotes.

Submission:

Labcorp Genetics (formerly Invitae), Labcorp
Classification: Uncertain significance for Genitopatellar syndrome. Last evaluated: 2024-01-08. Review status: criteria provided, single submitter. Criteria: Invitae Variant Classification Sherloc (09022015). Collection method: clinical testing. Allele origin: germline.
Comment: This sequence change replaces glycine, which is neutral and non-polar, with serine, which is neutral and polar, at codon 836 of the KAT6B protein (p.Gly836Ser). This variant is present in population databases (rs376747397, gnomAD 0.003%). This variant has not been reported in the literature in individuals affected with KAT6B-related conditions. Advanced modeling of protein sequence and biophysical properties (such as structural, functional, and spatial information, amino acid conservation, physicochemical variation, residue mobility, and thermodynamic stability) performed at Invitae indicates that this missense variant is not expected to disrupt KAT6B protein function with a negative predictive value of 80%. In summary, the available evidence is currently insufficient to determine the role of this variant in disease. Therefore, it has been classified as a Variant of Uncertain Significance.